The following is an entry in ClinVar:

ClinVar aggregate classification (germline): Uncertain significance (1 of 4 stars; one submission).

Conditions:
Hereditary cancer-predisposing syndrome. Also called: Hereditary Cancer Syndrome; Neoplastic Syndromes, Hereditary; Tumor predisposition; Hereditary neoplastic syndrome. Identifiers: Orphanet 140162, MedGen C0027672, MeSH D009386, MONDO:0015356.

Submission:

Ambry Genetics
Classification: Uncertain significance for Hereditary cancer-predisposing syndrome. Last evaluated: 2026-07-19. Review status: criteria provided, single submitter. Criteria: Ambry Variant Classification Scheme 2023. Collection method: clinical testing. Allele origin: germline.
Comment: The p.H352N variant (also known as c.1054C>A), located in coding exon 4 of the ALK gene, results from a C to A substitution at nucleotide position 1054. The histidine at codon 352 is replaced by asparagine, an amino acid with similar properties. This amino acid position is conserved. In addition, this alteration is predicted to be tolerated by in silico analysis. Based on the available evidence, the clinical significance of this variant remains unclear.

NM_004304.5(ALK):c.1054C>A (p.His352Asn)

Gene: ALK (ALK receptor tyrosine kinase; minus strand). Cytogenetic location: 2p23.2.
Variant type: single nucleotide variant.
Coding change: c.1054C>A on transcript NM_004304.5 (MANE Select); coding-DNA position 1054, C replaced by A.
Protein change: p.His352Asn; replaces histidine 352 with asparagine.
Molecular consequence: missense variant.
Genome position (GRCh38, 1-based): chr2:29,532,015, G>T on the plus strand (C>A on the coding strand, the complement: ALK is on the minus strand). VCF-style: chr2-29532015-G-T. GRCh37 (hg19) VCF-style: chr2-29754881-G-T.
Other names: short protein forms H352N.
Identifiers: ClinVar variation 5035281 (VCV005035281.1).